The following is an entry in ClinVar:

NM_024675.4(PALB2):c.2155C>G (p.Pro719Ala)

Gene: PALB2 (partner and localizer of BRCA2; minus strand). Cytogenetic location: 16p12.2.
Variant type: single nucleotide variant.
Coding change: c.2155C>G on transcript NM_024675.4 (MANE Select); coding-DNA position 2155, C replaced by G.
Protein change: p.Pro719Ala; replaces proline 719 with alanine.
Molecular consequence: missense variant.
Genome position (GRCh38, 1-based): chr16:23,629,999, G>C on the plus strand (C>G on the coding strand, the complement: PALB2 is on the minus strand). VCF-style: chr16-23629999-G-C. GRCh37 (hg19) VCF-style: chr16-23641320-G-C.
Other names: short protein forms P719A.
Identifiers: ClinVar variation 1462578 (VCV001462578.9), dbSNP rs2142379642, ClinGen allele CA395125684.

ClinVar aggregate classification (germline): Uncertain significance (1 of 4 stars; one submission).

Conditions:
Familial cancer of breast. Also called: Hereditary breast cancer; hereditary breast carcinoma; BREAST CANCER, FAMILIAL. Identifiers: Orphanet 227535, MedGen C0346153, MONDO:0016419, OMIM 114480. Disease mechanism: loss of function.

Submission:

Labcorp Genetics (formerly Invitae), Labcorp
Classification: Uncertain significance for Familial cancer of breast. Last evaluated: 2020-11-12. Review status: criteria provided, single submitter. Criteria: Invitae Variant Classification Sherloc (09022015). Collection method: clinical testing. Allele origin: germline.
Comment: This sequence change replaces proline with alanine at codon 719 of the PALB2 protein (p.Pro719Ala). The proline residue is moderately conserved and there is a small physicochemical difference between proline and alanine. This variant is not present in population databases (ExAC no frequency). This variant has not been reported in the literature in individuals with PALB2-related conditions. Algorithms developed to predict the effect of missense changes on protein structure and function output the following: SIFT: "Tolerated"; PolyPhen-2: "Benign"; Align-GVGD: "Class C0". The alanine amino acid residue is found in multiple mammalian species, suggesting that this missense change does not adversely affect protein function. These predictions have not been confirmed by published functional studies and their clinical significance is uncertain. In summary, the available evidence is currently insufficient to determine the role of this variant in disease. Therefore, it has been classified as a Variant of Uncertain Significance.